The following is an entry in ClinVar:

NM_052947.4(ALPK2):c.956C>G (p.Thr319Ser)

Genes: ALPK2 (alpha kinase 2; minus strand), LOC114803473 (ALPK2 eExon liver enhancer; plus strand). Cytogenetic location: 18q21.31.
Variant type: single nucleotide variant.
Coding change: c.956C>G on transcript NM_052947.4 (MANE Select); coding-DNA position 956, C replaced by G.
Protein change: p.Thr319Ser; replaces threonine 319 with serine.
Molecular consequence: missense variant.
Genome position (GRCh38, 1-based): chr18:58,579,820, G>C on the plus strand (C>G on the coding strand, the complement: ALPK2 is on the minus strand). VCF-style: chr18-58579820-G-C. GRCh37 (hg19) VCF-style: chr18-56247052-G-C.
Other names: short protein forms T319S.
Identifiers: ClinVar variation 1767408 (VCV001767408.2), dbSNP rs1033037983, ClinGen allele CA300927361.

ClinVar aggregate classification (germline): Uncertain significance (1 of 4 stars; one submission).

gnomAD v4.1: 1 of 1,614,050 alleles (0.000062%); highest among the groups gnomAD compares: Non-Finnish European, 0.000085%; no homozygotes.

Submission:

Ambry Genetics
Classification: Uncertain significance. Last evaluated: 2023-11-18. Review status: criteria provided, single submitter. Criteria: Ambry Variant Classification Scheme 2023. Collection method: clinical testing. Allele origin: germline.
Comment: The p.T319S variant (also known as c.956C>G), located in coding exon 3 of the ALPK2 gene, results from a C to G substitution at nucleotide position 956. The threonine at codon 319 is replaced by serine, an amino acid with similar properties. This amino acid position is conserved. In addition, this alteration is predicted to be tolerated by in silico analysis. Since supporting evidence is limited at this time, the clinical significance of this alteration remains unclear.